The following is an entry in ClinVar:

NM_007294.4(BRCA1):c.593G>A (p.Ser198Asn)

Gene: BRCA1 (BRCA1 DNA repair associated; minus strand). Cytogenetic location: 17q21.31.
Variant type: single nucleotide variant.
Coding change: c.593G>A on transcript NM_007294.4 (MANE Select); coding-DNA position 593, G replaced by A.
Protein change: p.Ser198Asn; replaces serine 198 with asparagine.
Molecular consequence: missense variant. On other transcripts: non-coding transcript variant (1).
Genome position (GRCh38, 1-based): chr17:43,097,244, C>T on the plus strand (G>A on the coding strand, the complement: BRCA1 is on the minus strand). VCF-style: chr17-43097244-C-T. GRCh37 (hg19) VCF-style: chr17-41249261-C-T.
Other names: c.380G>A, p.Ser127Asn (NM_001407915.1, NM_001407916.1, NM_001407917.1 and 12 more transcripts); c.449G>A, p.Ser150Asn (NM_001407943.1, NM_001407740.1, NM_001407741.1 and 26 more transcripts); c.452G>A, p.Ser151Asn (NM_001407944.1, NM_001407942.1, NM_001407692.1 and 43 more transcripts); c.593G>A, p.Ser198Asn (NM_001407581.1, NM_001407582.1, NM_001407583.1 and 59 more transcripts); c.590G>A, p.Ser197Asn (NM_001407587.1, NM_001407590.1, NM_001407591.1 and 41 more transcripts); c.512G>A, p.Ser171Asn (NM_001407662.1, NM_001407659.1, NM_001407660.1 and 3 more transcripts); c.515G>A, p.Ser172Asn (NM_001407663.1, NM_001407653.1, NM_001407654.1 and 9 more transcripts); c.584G>A, p.Ser195Asn (NM_001407646.1, NM_001407647.1, NM_001408408.1); and 4 more; short protein forms S198N, S151N, S127N, S171N, S195N, S150N, S172N, S197N.
Identifiers: ClinVar variation 826067 (VCV000826067.12), dbSNP rs1597883925, ClinGen allele CA10600933.

ClinVar aggregate classification (germline): Uncertain significance. Review status: criteria provided, multiple submitters, no conflicts (2 of 4 stars). 2 submissions from 2 submitters: Uncertain significance (2). Last evaluated 2024-05-06.

Conditions:
Hereditary breast ovarian cancer syndrome. Also called: Hereditary breast and ovarian cancer syndrome; Hereditary breast and ovarian cancer; Hereditary breast and ovarian cancer syndrome (HBOC); Breast and ovarian cancer; Hereditary breast and/or ovarian cancer syndrome; BRCA1- and BRCA2-Associated Hereditary Breast and Ovarian Cancer. Identifiers: Orphanet 145, MedGen C0677776, MeSH D061325, MONDO:0003582. Disease mechanism: loss of function.
Hereditary cancer-predisposing syndrome. Also called: Neoplastic Syndromes, Hereditary; Tumor predisposition; Hereditary neoplastic syndrome; Hereditary Cancer Syndrome. Identifiers: Orphanet 140162, MedGen C0027672, MeSH D009386, MONDO:0015356.

Submissions (2):

Labcorp Genetics (formerly Invitae), Labcorp
Classification: Uncertain significance for Hereditary breast ovarian cancer syndrome. Last evaluated: 2024-05-06. Review status: criteria provided, single submitter. Criteria: Invitae Variant Classification Sherloc (09022015). Collection method: clinical testing. Allele origin: germline.
Comment: This sequence change replaces serine, which is neutral and polar, with asparagine, which is neutral and polar, at codon 198 of the BRCA1 protein (p.Ser198Asn). This variant also falls at the last nucleotide of exon 8, which is part of the consensus splice site for this exon. This variant is not present in population databases (gnomAD no frequency). This variant has not been reported in the literature in individuals affected with BRCA1-related conditions. ClinVar contains an entry for this variant (Variation ID: 826067). An algorithm developed to predict the effect of missense changes on protein structure and function (PolyPhen-2) suggests that this variant is likely to be disruptive. Variants that disrupt the consensus splice site are a relatively common cause of aberrant splicing (PMID: 17576681, 9536098). Studies have shown this missense change is associated with skipping of exons 8 and 9, but one or more of the resulting mRNA isoform(s) may be naturally occurring (Invitae). In summary, the available evidence is currently insufficient to determine the role of this variant in disease. Therefore, it has been classified as a Variant of Uncertain Significance.

Ambry Genetics
Classification: Uncertain significance for Hereditary cancer-predisposing syndrome. Last evaluated: 2024-03-07. Review status: criteria provided, single submitter. Criteria: Ambry Variant Classification Scheme 2023. Collection method: clinical testing. Allele origin: germline.
Comment: The p.S198N variant (also known as c.593G>A), located in coding exon 7 of the BRCA1 gene, results from a G to A substitution at nucleotide position 593. The amino acid change results in serine to asparagine at codon 198, an amino acid with highly similar properties. However, this change occurs in the last base pair of coding exon 7, which makes it likely to have some effect on normal mRNA splicing. The nucleotide and amino acid positions are highly conserved in available vertebrate species. In silico splice site analysis predicts that this alteration may weaken the native splice donor site. RNA studies have demonstrated that this alteration results in a splice defect involving exons excluded from naturally occurring transcripts (Ambry internal data), including the BRCA1 delta 9-10 in-frame isoform (also known as CDS7_8del), which is one of the predominantly expressed minor isoforms in healthy individuals (Colombo M et al. Hum Mol Genet. 2014; 23:3666-80). Therefore, the clinical impact of this abnormal splicing is unknown at this time. In addition, the missense impact of this variant is predicted to be deleterious by in silico analysis. Since supporting evidence is limited at this time, the clinical significance of this alteration remains unclear.

Literature cited by the submitters: PubMed 17576681 (cited by Labcorp Genetics (formerly Invitae), Labcorp); PubMed 9536098 (cited by Labcorp Genetics (formerly Invitae), Labcorp).